The following is an entry in ClinVar:

NM_032444.4(SLX4):c.709C>T (p.Arg237Trp)

Gene: SLX4 (SLX4 structure-specific endonuclease subunit; minus strand). Cytogenetic location: 16p13.3.
Variant type: single nucleotide variant.
Coding change: c.709C>T on transcript NM_032444.4 (MANE Select); coding-DNA position 709, C replaced by T.
Protein change: p.Arg237Trp; replaces arginine 237 with tryptophan.
Molecular consequence: missense variant.
Genome position (GRCh38, 1-based): chr16:3,606,525, G>A on the plus strand (C>T on the coding strand, the complement: SLX4 is on the minus strand). VCF-style: chr16-3606525-G-A. GRCh37 (hg19) VCF-style: chr16-3656526-G-A.
Other names: short protein forms R237W.
Identifiers: ClinVar variation 861567 (VCV000861567.15), dbSNP rs199912910, ClinGen allele CA7866778.
Genomic context (GRCh38, chr16:3,606,525, plus strand): 5'-TCATCATACCATTCCCCGCCATCATCTCCTCTTGAGGATCCTTTGGGACATTTTCTTCCC[G>A]CGCAGCCTCGAGGGAGCACTCTTCTGAAGCGTGTCTCAAACGCTCGGGGTCTGCTCTCTT-3'
Protein context (NP_115820.2, residues 227-247): ASEECSLEAA[Arg237Trp]EENVPKDPQE

ClinVar aggregate classification (germline): Uncertain significance. Review status: criteria provided, multiple submitters, no conflicts (2 of 4 stars). 4 submissions from 4 submitters: Uncertain significance (4). Last evaluated 2025-11-03.

Conditions:
Inborn genetic diseases. Identifiers: MedGen C0950123, MeSH D030342.
Fanconi anemia complementation group P. Also called: SLX4-Related Fanconi Anemia. Identifiers: Orphanet 84, MedGen C3469542, MONDO:0013499, OMIM 613951.
Fanconi anemia (FA). Also called: Fanconi's anemia. Identifiers: Orphanet 84, MedGen C0015625, MeSH D005199, MONDO:0019391.

Allele frequency attached by ClinVar (database versions not stated): gnomAD 0.00003 and 0.00006; TOPMed 0.00005; gnomAD exomes 0.00008; ExAC 0.00010; 1000 Genomes Project 30x 0.00047; 1000 Genomes Project 0.00060.
gnomAD v4.1: 63 of 1,614,136 alleles (0.0039%); highest among the groups gnomAD compares: East Asian, 0.042%; no homozygotes.

Submissions (4):

Labcorp Genetics (formerly Invitae), Labcorp
Classification: Uncertain significance for Fanconi anemia. Last evaluated: 2025-11-03. Review status: criteria provided, single submitter. Criteria: Invitae Variant Classification Sherloc (09022015). Collection method: clinical testing. Allele origin: germline.
Comment: This sequence change replaces arginine, which is basic and polar, with tryptophan, which is neutral and slightly polar, at codon 237 of the SLX4 protein (p.Arg237Trp). This variant is present in population databases (rs199912910, gnomAD 0.08%). This variant has not been reported in the literature in individuals affected with SLX4-related conditions. ClinVar contains an entry for this variant (Variation ID: 861567). An algorithm developed to predict the effect of missense changes on protein structure and function (PolyPhen-2) suggests that this variant is likely to be tolerated. In summary, the available evidence is currently insufficient to determine the role of this variant in disease. Therefore, it has been classified as a Variant of Uncertain Significance.

Fulgent Genetics
Classification: Uncertain significance for Fanconi anemia complementation group P. Last evaluated: 2024-05-29. Review status: criteria provided, single submitter. Criteria: ACMG Guidelines, 2015. Collection method: clinical testing. Allele origin: germline.

Ambry Genetics
Classification: Uncertain significance for Inborn genetic diseases. Last evaluated: 2024-01-23. Review status: criteria provided, single submitter. Criteria: Ambry Variant Classification Scheme 2023. Collection method: clinical testing. Allele origin: germline.

Illumina Laboratory Services, Illumina
Classification: Uncertain significance for Fanconi anemia complementation group P. Last evaluated: 2018-01-12. Review status: criteria provided, single submitter. Criteria: ICSL Variant Classification Criteria 13 December 2019. Collection method: clinical testing. Allele origin: germline.